The following is an entry in ClinVar:

NM_002075.4(GNB3):c.203+10G>T

Gene: GNB3 (G protein subunit beta 3; plus strand). Cytogenetic location: 12p13.31.
Variant type: single nucleotide variant.
Coding change: c.203+10G>T on transcript NM_002075.4 (MANE Select); 10 bases into the intron after coding-DNA position 203, G replaced by T.
Molecular consequence: intron variant.
Genome position (GRCh38, 1-based): chr12:6,843,086, G>T. VCF-style: chr12-6843086-G-T. GRCh37 (hg19) VCF-style: chr12-6952250-G-T.
Other names: c.203+10G>T (NM_001297571.2, NM_002075.3).
Identifiers: ClinVar variation 1951067 (VCV001951067.7), dbSNP rs782363697, ClinGen allele CA603131141.

ClinVar aggregate classification (germline): Likely benign. Review status: criteria provided, multiple submitters, no conflicts (2 of 4 stars). 3 submissions from 3 submitters: Likely benign (2). 1 of the submissions does not count toward it. Last evaluated 2023-02-28.

Conditions:
GNB3-related condition.

Submissions (3):

Labcorp Genetics (formerly Invitae), Labcorp
Classification: Likely benign. Last evaluated: 2023-02-28. Review status: criteria provided, single submitter. Criteria: Invitae Variant Classification Sherloc (09022015). Collection method: clinical testing. Allele origin: germline.

Blueprint Genetics
Classification: Likely benign. Last evaluated: 2022-09-02. Review status: criteria provided, single submitter. Criteria: ACMG Guidelines, 2015. Collection method: clinical testing. Allele origin: germline.

PreventionGenetics, part of Exact Sciences
Classification: Likely benign for GNB3-related condition. Last evaluated: 2019-06-12. Review status: no assertion criteria provided. Collection method: clinical testing. Allele origin: germline. Not counted in ClinVar's aggregate classification.
Comment: This variant is classified as likely benign based on ACMG/AMP sequence variant interpretation guidelines (Richards et al. 2015 PMID: 25741868, with internal and published modifications).